The following is an entry in ClinVar:

NM_014283.5(SUCO):c.857-5T>A

Gene: SUCO (SUN domain containing ossification factor; plus strand). Cytogenetic location: 1q24.3.
Variant type: single nucleotide variant.
Coding change: c.857-5T>A on transcript NM_014283.5 (MANE Select); 5 bases into the intron before coding-DNA position 857, T replaced by A.
Molecular consequence: intron variant.
Genome position (GRCh38, 1-based): chr1:172,570,042, T>A. VCF-style: chr1-172570042-T-A. GRCh37 (hg19) VCF-style: chr1-172539182-T-A.
Other names: c.1331-5T>A (NM_016227.4); c.-673-5T>A (NM_001282751.2); c.746-5T>A (NM_001282750.2).
Identifiers: ClinVar variation 2082018 (VCV002082018.4), dbSNP rs2527333029, ClinGen allele CA2573953708.

ClinVar aggregate classification (germline): Uncertain significance (1 of 4 stars; one submission).

Allele frequency attached by ClinVar (database versions not stated): gnomAD exomes below 0.00001.
gnomAD v4.1: 3 of 1,475,570 alleles (0.0002%); highest among the groups gnomAD compares: Non-Finnish European, 0.00027%; no homozygotes.

Submission:

Labcorp Genetics (formerly Invitae), Labcorp
Classification: Uncertain significance. Last evaluated: 2024-06-26. Review status: criteria provided, single submitter. Criteria: Invitae Variant Classification Sherloc (09022015). Collection method: clinical testing. Allele origin: germline.
Comment: This sequence change falls in intron 7 of the SUCO gene. It does not directly change the encoded amino acid sequence of the SUCO protein. This variant is not present in population databases (gnomAD no frequency). This variant has not been reported in the literature in individuals affected with SUCO-related conditions. ClinVar contains an entry for this variant (Variation ID: 2082018). Algorithms developed to predict the effect of sequence changes on RNA splicing suggest that this variant may disrupt the consensus splice site. In summary, the available evidence is currently insufficient to determine the role of this variant in disease. Therefore, it has been classified as a Variant of Uncertain Significance.